The following is an entry in ClinVar:

NM_058216.3(RAD51C):c.664C>G (p.Gln222Glu)

Genes: RAD51C (RAD51 paralog C; plus strand), LOC129390903 (MPRA-validated peak2919 silencer; plus strand). Cytogenetic location: 17q22.
Variant type: single nucleotide variant.
Coding change: c.664C>G on transcript NM_058216.3 (MANE Select); coding-DNA position 664, C replaced by G.
Protein change: p.Gln222Glu; replaces glutamine 222 with glutamic acid.
Molecular consequence: missense variant. On other transcripts: non-coding transcript variant (1).
Genome position (GRCh38, 1-based): chr17:58,703,288, C>G. VCF-style: chr17-58703288-C-G. GRCh37 (hg19) VCF-style: chr17-56780649-C-G.
Other names: short protein forms Q222E.
Identifiers: ClinVar variation 4844186 (VCV004844186.1).

ClinVar aggregate classification (germline): Uncertain significance (1 of 4 stars; one submission).

Conditions:
Hereditary cancer-predisposing syndrome. Also called: Neoplastic Syndromes, Hereditary; Tumor predisposition; Hereditary Cancer Syndrome; Hereditary neoplastic syndrome. Identifiers: Orphanet 140162, MedGen C0027672, MeSH D009386, MONDO:0015356.

gnomAD v4.1: 3 of 1,611,176 alleles (0.00019%); highest among the groups gnomAD compares: Non-Finnish European, 0.00025%; no homozygotes.

Submission:

Ambry Genetics
Classification: Uncertain significance for Hereditary cancer-predisposing syndrome. Last evaluated: 2026-01-19. Review status: criteria provided, single submitter. Criteria: Ambry Variant Classification Scheme 2023. Collection method: clinical testing. Allele origin: germline.
Comment: The p.Q222E variant (also known as c.664C>G), located in coding exon 4 of the RAD51C gene, results from a C to G substitution at nucleotide position 664. The glutamine at codon 222 is replaced by glutamic acid, an amino acid with highly similar properties. This amino acid position is conserved. In addition, this alteration is predicted to be tolerated by in silico analysis. Based on the available evidence, the clinical significance of this variant remains unclear.